The following continues an entry in ClinVar:

NM_000159.4(GCDH):c.1262C>T (p.Ala421Val)

ClinVar aggregate classification (germline): Pathogenic. Pathogenic (15).

Submissions 14 to 17 of 17:

Illumina Laboratory Services, Illumina
Classification: Pathogenic for Glutaric aciduria, type 1. Last evaluated: 2017-04-27. Review status: criteria provided, single submitter. Criteria: ICSL Variant Classification Criteria 09 May 2019. Collection method: clinical testing. Allele origin: germline.
Comment: The GCDH c.1262C>T (p.Ala421Val) variant is a well-known founder variant among the Old Order Amish of Lancaster County, Pennsylvania, where approximately one in 500 children is homozygous for this variant (Strauss et al. 2007; Strauss et al. 2009). Across three studies that included 138 total Amish and European-ancestry individuals with glutaric acidemia type 1 (GA1), the p.Ala421Val variant is reported in 21 total individuals, including eight homozygotes, eight compound heterozygotes, and five in whom the zygosity is not stated (Biery et al. 1996; Zschocke et al. 2000; Viau et al. 2012). Control data are unavailable for this variant, which is reported at a frequency of 0.00033 in the European (non-Finnish) population from the Exome Aggregation Consortium. Functional studies in E. Coli showed that the p.Ala421Val variant resulted in enzyme activity that was 20% to 40% that of the wild type protein (Biery et al. 1996). Based on the collective evidence, the p.Ala421Val variant is classified as pathogenic for glutaric acidemia. This variant was observed by ICSL as part of a predisposition screen in an ostensibly healthy population.

Center for Pediatric Genomic Medicine, Children's Mercy Hospital and Clinics
Classification: Pathogenic. Last evaluated: 2014-07-07. Review status: criteria provided, single submitter. Criteria: ACMG Guidelines, 2015. Collection method: clinical testing. Allele origin: germline.

OMIM
Classification: Pathogenic for GLUTARIC ACIDEMIA I. Last evaluated: 2007-07-01. Review status: no assertion criteria provided. Collection method: literature only. Allele origin: germline. Not counted in ClinVar's aggregate classification.

GeneReviews
No classification provided. Condition: Glutaric aciduria, type 1. Review status: no classification provided. Collection method: literature only. Allele origin: germline. Not counted in ClinVar's aggregate classification.
Comment: Founder variant in Pennsylvania Amish

Literature cited by the submitters: PubMed 8900227 (cited by 8 submitters); PubMed 15505393 (cited by Natera, Inc. and Myriad Genetics, Inc.); PubMed 28062662 (cited by Natera, Inc.); PubMed 18926513 (cited by Labcorp Genetics (formerly Invitae), Labcorp); PubMed 28438223 (cited by Labcorp Genetics (formerly Invitae), Labcorp and Mayo Clinic Laboratories, Mayo Clinic); PubMed 17478444 (cited by 3 submitters); PubMed 33204356 (cited by Dasa); PubMed 32240488 (cited by Dasa and Mayo Clinic Laboratories, Mayo Clinic); PubMed 28794906 (cited by Dasa); PubMed 30838298 (cited by Mayo Clinic Laboratories, Mayo Clinic); PubMed 31028937 (cited by Mayo Clinic Laboratories, Mayo Clinic); PubMed 32777384 (cited by Mayo Clinic Laboratories, Mayo Clinic); PubMed 36913764 (cited by Mayo Clinic Laboratories, Mayo Clinic); PubMed 37020324 (cited by Mayo Clinic Laboratories, Mayo Clinic); PubMed 22728054 (cited by Women's Health and Genetics/Laboratory Corporation of America, LabCorp and Illumina Laboratory Services, Illumina); PubMed 19630565 (cited by Illumina Laboratory Services, Illumina); PubMed 10699052 (cited by Illumina Laboratory Services, Illumina); PubMed 1951469 (cited by GeneReviews); PubMed 31536184 (cited by GeneReviews).